The following is an entry in ClinVar:

NM_181458.4(PAX3):c.341_342del (p.Val114fs)

Gene: PAX3 (paired box 3; minus strand). Cytogenetic location: 2q36.1.
Variant type: Deletion.
Coding change: c.341_342del on transcript NM_181458.4 (MANE Select); coding-DNA positions 341 to 342, 2 bases deleted (TG; older notation c.341_342delTG).
Protein change: p.Val114fs; shifts the reading frame from valine 114.
Molecular consequence: frameshift variant.
Genome position (GRCh38, 1-based): chr2:222,295,637-222,295,638, CA deleted on the plus strand (TG on the coding strand, the reverse complement: PAX3 is on the minus strand); deleting any 2 consecutive bases within chr2:222,295,637-222,295,639 gives the same sequence; the c. name uses the placement nearest the transcript's 3' end. VCF-style (leftmost placement, unchanged base first): chr2-222295636-CCA-C. GRCh37 (hg19) VCF-style: chr2-223160355-CCA-C.
Other names: c.341_342del, p.Val114fs (NM_000438.6, NM_013942.5, NM_181457.4 and 3 more transcripts); c.338_339del, p.Val113fs (NM_001127366.3); short protein forms V113fs, V114fs.
Identifiers: ClinVar variation 3601577 (VCV003601577.1).

ClinVar aggregate classification (germline): Pathogenic (1 of 4 stars; one submission).

Conditions:
Waardenburg syndrome type 1 (WS1). Also called: WAARDENBURG SYNDROME WITH DYSTOPIA CANTHORUM; Waardenburg Syndrome Type I. Identifiers: Orphanet 894, MedGen C1847800, MONDO:0008670, OMIM 193500.

Submission:

Institute of Rare Diseases, West China Hospital, Sichuan University
Classification: Pathogenic for Waardenburg syndrome type 1. Last evaluated: 2025-01-09. Review status: criteria provided, single submitter. Criteria: ClinGen HL ACMG Specifications v1. Collection method: research. Allele origin: germline. Affected: yes.
Comment: PM1;PVS1;PM2_Supporting